The following is an entry in ClinVar:

NM_000257.4(MYH7):c.4178T>C (p.Leu1393Pro)

Gene: MYH7 (myosin heavy chain 7; minus strand). Cytogenetic location: 14q11.2.
Variant type: single nucleotide variant.
Coding change: c.4178T>C on transcript NM_000257.4 (MANE Select); coding-DNA position 4178, T replaced by C.
Protein change: p.Leu1393Pro; replaces leucine 1393 with proline.
Molecular consequence: missense variant.
Genome position (GRCh38, 1-based): chr14:23,417,678, A>G on the plus strand (T>C on the coding strand, the complement: MYH7 is on the minus strand). VCF-style: chr14-23417678-A-G. GRCh37 (hg19) VCF-style: chr14-23886887-A-G.
Other names: c.4178T>C, p.Leu1393Pro (NM_001407004.1); short protein forms L1393P.
Identifiers: ClinVar variation 2574110 (VCV002574110.2), dbSNP rs2502252310, ClinGen allele CA389040604.

ClinVar aggregate classification (germline): Uncertain significance. Review status: criteria provided, single submitter (1 of 4 stars). 2 submissions from 2 submitters: Uncertain significance (1). 1 of the submissions does not count toward it. Last evaluated 2024-10-22.

Conditions:
Hypertrophic cardiomyopathy 1 (CMH1). Also called: Familial hypertrophic cardiomyopathy 1; MYH7-Related Familial Hypertrophic Cardiomyopathy. Identifiers: MedGen C3495498, MONDO:0008647, OMIM 192600.

Submissions (2):

Blueprint Genetics
Classification: Uncertain significance. Last evaluated: 2024-10-22. Review status: criteria provided, single submitter. Criteria: ACMG Guidelines, 2015. Collection method: clinical testing. Allele origin: germline.

deCODE genetics, Amgen
Classification: Likely pathogenic for Hypertrophic cardiomyopathy 1. Last evaluated: 2023-07-21. Review status: no assertion criteria provided. Collection method: research. Allele origin: germline. Affected: yes. Observed: 12 variant alleles. Not counted in ClinVar's aggregate classification.
Comment: The variant NM_000257.4:c.4178T>C (chr14:23417678) in MYH7 was detected in 4 heterozygotes out of 58K WGS Icelanders (MAF= 0,003%). Following imputation in a set of 166K Icelanders (12 imputed heterozygotes) we observed an association with cardiomyopathy using 1974 cases and 365360 controls (OR= 79.71, P= 3.73e-09), heart failure using 20765 cases and 367806 controls (OR= 8.79, P= 2.95e-03) and atrial fibrillation and flutter using 20168 cases and 351419 controls (OR= 5.18, P= 3.25e-02). This variant has not been reported in ClinVar previously. Based on ACMG criteria (PS4, PP2, PP3) this variant classifies as likely pathogenic.